The following is an entry in ClinVar:

NM_001270974.2(HYDIN):c.9871G>A (p.Ala3291Thr)

Gene: HYDIN (HYDIN axonemal central pair apparatus protein; minus strand). Cytogenetic location: 16q22.2.
Variant type: single nucleotide variant.
Coding change: c.9871G>A on transcript NM_001270974.2 (MANE Select); coding-DNA position 9871, G replaced by A.
Protein change: p.Ala3291Thr; replaces alanine 3291 with threonine.
Molecular consequence: missense variant.
Genome position (GRCh38, 1-based): chr16:70,884,028, C>T on the plus strand (G>A on the coding strand, the complement: HYDIN is on the minus strand). VCF-style: chr16-70884028-C-T. GRCh37 (hg19) VCF-style: chr16-70917931-C-T.
Other names: short protein forms A3291T.
Identifiers: ClinVar variation 2646724 (VCV002646724.26), dbSNP rs1798440, ClinGen allele CA8149456.

ClinVar aggregate classification (germline): Likely benign. Review status: criteria provided, multiple submitters, no conflicts (2 of 4 stars). 3 submissions from 3 submitters: Likely benign (3). Last evaluated 2025-07-01.

Allele frequency attached by ClinVar (database versions not stated): 1000 Genomes Project 30x 0.00078; gnomAD 0.00100; ExAC 0.00105.

Submissions (3):

CeGaT Center for Human Genetics Tuebingen
Classification: Likely benign. Last evaluated: 2025-07-01. Review status: criteria provided, single submitter. Criteria: CeGaT Center For Human Genetics Tuebingen Variant Classification Criteria Version 2. Collection method: clinical testing. Allele origin: germline. Affected: yes. Observed: 2 variant alleles.
Comment: HYDIN: BP4, BS2

Laboratory of Genetics, Children's Clinical University Hospital Latvia
Classification: Likely benign. Last evaluated: 2025-02-16. Review status: criteria provided, single submitter. Criteria: ACMG Guidelines, 2015. Collection method: clinical testing. Allele origin: germline. Affected: yes.

Blueprint Genetics
Classification: Likely benign. Last evaluated: 2024-11-27. Review status: criteria provided, single submitter. Criteria: ACMG Guidelines, 2015. Collection method: clinical testing. Allele origin: germline.